The following is an entry in ClinVar:

NM_000342.4(SLC4A1):c.615T>C (p.Asp205=)

Gene: SLC4A1 (solute carrier family 4 member 1 (Diego blood group); minus strand). Cytogenetic location: 17q21.31.
Variant type: single nucleotide variant.
Coding change: c.615T>C on transcript NM_000342.4 (MANE Select); coding-DNA position 615, T replaced by C.
Protein change: p.Asp205=; no amino-acid change (aspartic acid 205 retained).
Molecular consequence: synonymous variant.
Genome position (GRCh38, 1-based): chr17:44,259,576, A>G on the plus strand (T>C on the coding strand, the complement: SLC4A1 is on the minus strand). VCF-style: chr17-44259576-A-G. GRCh37 (hg19) VCF-style: chr17-42336944-A-G.
Identifiers: ClinVar variation 890797 (VCV000890797.39), dbSNP rs5038, ClinGen allele CA8600525.

ClinVar aggregate classification (germline): Conflicting classifications of pathogenicity. Review status: criteria provided, conflicting classifications (1 of 4 stars). 7 submissions from 5 submitters: Uncertain significance (2); Benign (1); Likely benign (4). Last evaluated 2025-11-12.

Conditions:
Hereditary spherocytosis type 4. Also called: SLC4A1-Related Spherocytosis. Identifiers: Orphanet 822, MedGen C2675212, MONDO:0012981, OMIM 612653.
Autosomal dominant distal renal tubular acidosis (DRTA1). Also called: RTA, CLASSIC TYPE; RTA, DISTAL TYPE, AUTOSOMAL DOMINANT; RTA, GRADIENT TYPE; Renal Tubular Acidosis, Type I; RENAL TUBULAR ACIDOSIS, DISTAL, 1. Identifiers: Orphanet 93608, MedGen CN280572, MONDO:0008368, OMIM 179800.
Hemolytic anemia. Identifiers: MedGen C0002878, MONDO:0003664, HP:0001878.

Allele frequency attached by ClinVar (database versions not stated): ExAC 0.00036; 1000 Genomes Project 0.00040; gnomAD exomes 0.00042 and 0.00113; 1000 Genomes Project 30x 0.00047; TOPMed 0.00059; ESP Exome Variant Server 0.00062; gnomAD 0.00068 and 0.00070.

Submissions (7):

Labcorp Genetics (formerly Invitae), Labcorp
Classification: Likely benign. Last evaluated: 2025-11-12. Review status: criteria provided, single submitter. Criteria: Invitae Variant Classification Sherloc (09022015). Collection method: clinical testing. Allele origin: germline.

ARUP Laboratories, Molecular Genetics and Genomics, ARUP Laboratories
Classification: Likely benign. Last evaluated: 2024-12-24. Review status: criteria provided, single submitter. Criteria: ARUP Molecular Germline Variant Investigation Process 2024. Collection method: clinical testing. Allele origin: germline.

Blueprint Genetics
Classification: Likely benign. Last evaluated: 2024-11-06. Review status: criteria provided, single submitter. Criteria: ACMG Guidelines, 2015. Collection method: clinical testing. Allele origin: germline.

CeGaT Center for Human Genetics Tuebingen
Classification: Likely benign. Last evaluated: 2023-05-01. Review status: criteria provided, single submitter. Criteria: CeGaT Center For Human Genetics Tuebingen Variant Classification Criteria Version 2. Collection method: clinical testing. Allele origin: germline. Affected: yes. Observed: 1 variant allele.
Comment: SLC4A1: BP4, BP7

Illumina Laboratory Services, Illumina
Classification: Benign for Autosomal dominant distal renal tubular acidosis. Last evaluated: 2018-01-12. Review status: criteria provided, single submitter. Criteria: ICSL Variant Classification Criteria 13 December 2019. Collection method: clinical testing. Allele origin: germline.
Comment: This variant was observed in the ICSL laboratory as part of a predisposition screen in an ostensibly healthy population. It had not been previously curated by ICSL or reported in the Human Gene Mutation Database (HGMD: prior to June 1st, 2018), and was therefore a candidate for classification through an automated scoring system. Utilizing variant allele frequency, disease prevalence and penetrance estimates, and inheritance mode, an automated score was calculated to assess if this variant is too frequent to cause the disease. Based on the score and internal cut-off values, a variant classified as benign is not then subjected to further curation. The score for this variant resulted in a classification of benign for this disease.

Illumina Laboratory Services, Illumina
Classification: Uncertain significance for Hereditary spherocytosis type 4. Last evaluated: 2018-01-12. Review status: criteria provided, single submitter. Criteria: ICSL Variant Classification Criteria 13 December 2019. Collection method: clinical testing. Allele origin: germline.

Illumina Laboratory Services, Illumina
Classification: Uncertain significance for Hemolytic anemia. Last evaluated: 2018-01-12. Review status: criteria provided, single submitter. Criteria: ICSL Variant Classification Criteria 13 December 2019. Collection method: clinical testing. Allele origin: germline.